The following is an entry in ClinVar:

NM_016222.4(DDX41):c.1864T>G (p.Phe622Val)

Gene: DDX41 (DEAD-box helicase 41; minus strand). Cytogenetic location: 5q35.3.
Variant type: single nucleotide variant.
Coding change: c.1864T>G on transcript NM_016222.4 (MANE Select); coding-DNA position 1864, T replaced by G.
Protein change: p.Phe622Val; replaces phenylalanine 622 with valine.
Molecular consequence: missense variant.
Genome position (GRCh38, 1-based): chr5:177,511,796, A>C on the plus strand (T>G on the coding strand, the complement: DDX41 is on the minus strand). VCF-style: chr5-177511796-A-C. GRCh37 (hg19) VCF-style: chr5-176938797-A-C.
Other names: c.1486T>G, p.Phe496Val (NM_001321732.2, NM_001321830.2); short protein forms F496V, F622V.
Identifiers: ClinVar variation 5035137 (VCV005035137.1).

ClinVar aggregate classification (germline): Uncertain significance (1 of 4 stars; one submission).

Conditions:
Inborn genetic diseases. Identifiers: MedGen C0950123, MeSH D030342.

Submission:

Ambry Genetics
Classification: Uncertain significance for Inborn genetic diseases. Last evaluated: 2026-06-22. Review status: criteria provided, single submitter. Criteria: Ambry Variant Classification Scheme 2023. Collection method: clinical testing. Allele origin: germline.
Comment: The p.F622V variant (also known as c.1864T>G), located in coding exon 17 of the DDX41 gene, results from a T to G substitution at nucleotide position 1864. The phenylalanine at codon 622 is replaced by valine, an amino acid with highly similar properties. This amino acid position is conserved. In addition, the in silico prediction for this alteration is inconclusive. Based on the available evidence, the clinical significance of this variant remains unclear.